The following is an entry in ClinVar:

NM_001458.5(FLNC):c.6607C>G (p.Arg2203Gly)

Genes: FLNC (filamin C; plus strand), FLNC-AS1 (FLNC antisense RNA 1; minus strand). Cytogenetic location: 7q32.1.
Variant type: single nucleotide variant.
Coding change: c.6607C>G on transcript NM_001458.5 (MANE Select); coding-DNA position 6607, C replaced by G.
Protein change: p.Arg2203Gly; replaces arginine 2203 with glycine.
Molecular consequence: missense variant.
Genome position (GRCh38, 1-based): chr7:128,854,096, C>G. VCF-style: chr7-128854096-C-G. GRCh37 (hg19) VCF-style: chr7-128494150-C-G.
Other names: c.6508C>G, p.Arg2170Gly (NM_001127487.2); short protein forms R2170G, R2203G.
Identifiers: ClinVar variation 940295 (VCV000940295.10), dbSNP rs758838323, ClinGen allele CA369212917.

ClinVar aggregate classification (germline): Uncertain significance. Review status: criteria provided, multiple submitters, no conflicts (2 of 4 stars). 2 submissions from 2 submitters: Uncertain significance (2). Last evaluated 2025-01-07.

Conditions:
Myofibrillar myopathy 5. Also called: FILAMINOPATHY, AUTOSOMAL DOMINANT; Filaminopathy (type). Identifiers: Orphanet 171445, MedGen C1836050, MONDO:0012289, OMIM 609524.
Distal myopathy with posterior leg and anterior hand involvement. Also called: WILLIAMS DISTAL MYOPATHY. Identifiers: Orphanet 63273, MedGen C3279722, MONDO:0013550, OMIM 614065.
Hypertrophic cardiomyopathy 26. Also called: Cardiomyopathy, familial hypertrophic, 26. Identifiers: Orphanet 75249, MedGen C4310749, MONDO:0014883, OMIM 617047.
Dilated Cardiomyopathy, Dominant.
Cardiovascular phenotype. Identifiers: MedGen CN230736.

gnomAD v4.1: 1 of 1,613,006 alleles (0.000062%); highest among the groups gnomAD compares: Non-Finnish European, 0.000085%; no homozygotes.

Submissions (2):

Ambry Genetics
Classification: Uncertain significance for Cardiovascular phenotype. Last evaluated: 2025-01-07. Review status: criteria provided, single submitter. Criteria: Ambry Variant Classification Scheme 2023. Collection method: clinical testing. Allele origin: germline.

Labcorp Genetics (formerly Invitae), Labcorp
Classification: Uncertain significance for Distal myopathy with posterior leg and anterior hand involvement; Myofibrillar myopathy 5; Hypertrophic cardiomyopathy 26. Last evaluated: 2023-12-22. Review status: criteria provided, single submitter. Criteria: Invitae Variant Classification Sherloc (09022015). Collection method: clinical testing. Allele origin: germline.
Comment: This sequence change replaces arginine, which is basic and polar, with glycine, which is neutral and non-polar, at codon 2203 of the FLNC protein (p.Arg2203Gly). This variant is not present in population databases (gnomAD no frequency). This variant has not been reported in the literature in individuals affected with FLNC-related conditions. ClinVar contains an entry for this variant (Variation ID: 940295). An algorithm developed to predict the effect of missense changes on protein structure and function (PolyPhen-2) suggests that this variant¬¨‚Ä†is likely to be tolerated. In summary, the available evidence is currently insufficient to determine the role of this variant in disease. Therefore, it has been classified as a Variant of Uncertain Significance.